The following is an entry in ClinVar:

ClinVar aggregate classification (germline): Uncertain significance (1 of 4 stars; one submission).

Submission:

Labcorp Genetics (formerly Invitae), Labcorp
Classification: Uncertain significance. Last evaluated: 2024-05-29. Review status: criteria provided, single submitter. Criteria: Invitae Variant Classification Sherloc (09022015). Collection method: clinical testing. Allele origin: germline.
Comment: This sequence change replaces proline, which is neutral and non-polar, with serine, which is neutral and polar, at codon 149 of the IMPDH1 protein (p.Pro149Ser). This variant is not present in population databases (gnomAD no frequency). This variant has not been reported in the literature in individuals affected with IMPDH1-related conditions. An algorithm developed to predict the effect of missense changes on protein structure and function (PolyPhen-2) suggests that this variant is likely to be disruptive. In summary, the available evidence is currently insufficient to determine the role of this variant in disease. Therefore, it has been classified as a Variant of Uncertain Significance.

NM_000883.4(IMPDH1):c.445C>T (p.Pro149Ser)

Gene: IMPDH1 (inosine monophosphate dehydrogenase 1; minus strand). Cytogenetic location: 7q32.1.
Variant type: single nucleotide variant.
Coding change: c.445C>T on transcript NM_000883.4 (MANE Select); coding-DNA position 445, C replaced by T.
Protein change: p.Pro149Ser; replaces proline 149 with serine.
Molecular consequence: missense variant.
Genome position (GRCh38, 1-based): chr7:128,401,074, G>A on the plus strand (C>T on the coding strand, the complement: IMPDH1 is on the minus strand). VCF-style: chr7-128401074-G-A. GRCh37 (hg19) VCF-style: chr7-128041128-G-A.
Other names: c.415C>T, p.Pro139Ser (NM_001102605.2); c.190C>T, p.Pro64Ser (NM_001142573.2, NM_001142574.2, NM_001142575.2); c.346C>T, p.Pro116Ser (NM_001142576.2); c.238C>T, p.Pro80Ser (NM_001304521.2); c.337C>T, p.Pro113Ser (NM_183243.3); short protein forms P139S, P113S, P64S, P116S, P80S, P149S.
Identifiers: ClinVar variation 3654943 (VCV003654943.2).